The following is an entry in ClinVar:

NC_000022.10:g.(?_23922152)_(23922397_?)del

Gene: IGLL1 (immunoglobulin lambda like polypeptide 1; minus strand). Cytogenetic location: 22q11.23.
Variant type: Deletion.
Identifiers: ClinVar variation 1041092 (VCV001041092.5).

ClinVar aggregate classification (germline): Uncertain significance (1 of 4 stars; one submission).

Conditions:
Agammaglobulinemia 2, autosomal recessive (AGM2). Also called: AGAMMAGLOBULINEMIA, AUTOSOMAL RECESSIVE, DUE TO IGLL1 DEFECT. Identifiers: MedGen C3150750, MONDO:0013287, OMIM 613500.

Submission:

Labcorp Genetics (formerly Invitae), Labcorp
Classification: Uncertain significance for Agammaglobulinemia 2, autosomal recessive. Last evaluated: 2020-10-10. Review status: criteria provided, single submitter. Criteria: Invitae Variant Classification Sherloc (09022015). Collection method: clinical testing. Allele origin: germline.
Comment: Experimental studies and prediction algorithms are not available or were not evaluated, and the functional significance of this variant is currently unknown. In summary, the available evidence is currently insufficient to determine the role of this variant in disease. Therefore, it has been classified as a Variant of Uncertain Significance. The current clinical and genetic evidence is not sufficient to establish whether loss-of-function variants in IGLL1 cause disease. This variant has not been reported in the literature in individuals with IGLL1-related conditions. This variant is a gross deletion of the genomic region encompassing exon(s) 1 of the IGLL1 gene, which includes the initiator codon. The 5' end of this event is unknown as it extends beyond the assayed region for this gene and therefore may encompass additional genes. The 3' boundary is likely confined to intron 1 of the IGLL1 gene. This is expected to result in an absent or disrupted protein product.